The following is an entry in ClinVar:

NM_024642.5(GALNT12):c.1431C>T (p.Tyr477=)

Gene: GALNT12 (polypeptide N-acetylgalactosaminyltransferase 12; plus strand). Cytogenetic location: 9q22.33.
Variant type: single nucleotide variant.
Coding change: c.1431C>T on transcript NM_024642.5 (MANE Select); coding-DNA position 1431, C replaced by T.
Protein change: p.Tyr477=; no amino-acid change (tyrosine 477 retained).
Molecular consequence: synonymous variant.
Genome position (GRCh38, 1-based): chr9:98,844,182, C>T. VCF-style: chr9-98844182-C-T. GRCh37 (hg19) VCF-style: chr9-101606464-C-T.
Identifiers: ClinVar variation 1772514 (VCV001772514.3), dbSNP rs746070097, ClinGen allele CA5154267.

ClinVar aggregate classification (germline): Benign/Likely benign. Review status: criteria provided, multiple submitters, no conflicts (2 of 4 stars). 2 submissions from 2 submitters: Benign (1); Likely benign (1). Last evaluated 2026-04-27.

Conditions:
Colorectal cancer, susceptibility to, 1. Also called: COLORECTAL ADENOMA AND CANCER, SUSCEPTIBILITY TO; COLORECTAL CANCER, SUSCEPTIBILITY TO, ON CHROMOSOME 9. Identifiers: MedGen C1837315, MONDO:0012132, OMIM 608812.

Allele frequency attached by ClinVar (database versions not stated): ExAC 0.00001; gnomAD exomes below 0.00001; TOPMed 0.00001.
gnomAD v4.1: 1 of 1,612,804 alleles (0.000062%); highest among the groups gnomAD compares: Admixed American, 0.0017%; no homozygotes.

Submissions (2):

Myriad Genetics, Inc.
Classification: Benign for Colorectal cancer, susceptibility to, 1. Last evaluated: 2026-04-27. Review status: criteria provided, single submitter. Criteria: Myriad Autosomal Dominant, Autosomal Recessive and X-Linked Classification Criteria (2023). Collection method: clinical testing. Allele origin: unknown.
Comment: This variant is considered benign. This variant is a silent/synonymous amino acid change and it is not expected to impact splicing.

Ambry Genetics
Classification: Likely benign. Last evaluated: 2020-11-03. Review status: criteria provided, single submitter. Criteria: Ambry Variant Classification Scheme 2023. Collection method: clinical testing. Allele origin: germline.